The following is an entry in ClinVar:

ClinVar aggregate classification (germline): Uncertain significance. Review status: criteria provided, multiple submitters, no conflicts (2 of 4 stars). 2 submissions from 2 submitters: Uncertain significance (2). Last evaluated 2025-02-14.

Conditions:
Inborn genetic diseases. Identifiers: MedGen C0950123, MeSH D030342.

Submissions (2):

Ambry Genetics
Classification: Uncertain significance for Inborn genetic diseases. Last evaluated: 2025-02-14. Review status: criteria provided, single submitter. Criteria: Ambry Variant Classification Scheme 2023. Collection method: clinical testing. Allele origin: germline.
Comment: The p.L228F variant (also known as c.684G>C), located in coding exon 6 of the PAX5 gene, results from a G to C substitution at nucleotide position 684. The leucine at codon 228 is replaced by phenylalanine, an amino acid with highly similar properties. This amino acid position is conserved. In addition, the in silico prediction for this alteration is inconclusive. Based on the available evidence, the clinical significance of this variant remains unclear.

Labcorp Genetics (formerly Invitae), Labcorp
Classification: Uncertain significance. Last evaluated: 2024-11-26. Review status: criteria provided, single submitter. Criteria: Invitae Variant Classification Sherloc (09022015). Collection method: clinical testing. Allele origin: germline.
Comment: This sequence change replaces leucine, which is neutral and non-polar, with phenylalanine, which is neutral and non-polar, at codon 228 of the PAX5 protein (p.Leu228Phe). This variant is not present in population databases (gnomAD no frequency). This variant has not been reported in the literature in individuals affected with PAX5-related conditions. ClinVar contains an entry for this variant (Variation ID: 2265189). Invitae Evidence Modeling of protein sequence and biophysical properties (such as structural, functional, and spatial information, amino acid conservation, physicochemical variation, residue mobility, and thermodynamic stability) indicates that this missense variant is not expected to disrupt PAX5 protein function with a negative predictive value of 80%. In summary, the available evidence is currently insufficient to determine the role of this variant in disease. Therefore, it has been classified as a Variant of Uncertain Significance.

NM_016734.3(PAX5):c.684G>C (p.Leu228Phe)

Gene: PAX5 (paired box 5; minus strand). Cytogenetic location: 9p13.2.
Variant type: single nucleotide variant.
Coding change: c.684G>C on transcript NM_016734.3 (MANE Select); coding-DNA position 684, G replaced by C.
Protein change: p.Leu228Phe; replaces leucine 228 with phenylalanine.
Molecular consequence: missense variant. On other transcripts: non-coding transcript variant (2).
Genome position (GRCh38, 1-based): chr9:36,966,645, C>G on the plus strand (G>C on the coding strand, the complement: PAX5 is on the minus strand). VCF-style: chr9-36966645-C-G. GRCh37 (hg19) VCF-style: chr9-36966642-C-G.
Other names: c.684G>C, p.Leu228Phe (NM_001280552.2, NM_001280547.2, NM_001280548.2 and 2 more transcripts); c.555G>C, p.Leu185Phe (NM_001280553.2, NM_001280554.2); c.486G>C, p.Leu162Phe (NM_001280555.2); c.360G>C, p.Leu120Phe (NM_001280556.2, NM_001280551.2); short protein forms L120F, L162F, L185F, L228F.
Identifiers: ClinVar variation 2265189 (VCV002265189.6), dbSNP rs963884418, ClinGen allele CA373486768.
Genomic context (GRCh38, chr9:36,966,645, plus strand): 5'-GTCTGAGTAGTGCTGCCTCTCAAACACGCGGTCCAGCACCTCCAGCTGCTGCTGTGTGAA[C>G]AAGTCTCCCCGCATCTGCTTCCGGAGGAAGTCTCTGCCCGGAAGCGAGTGGCCGTTCGGC-3'
Protein context (NP_057953.1, residues 218-238): DFLRKQMRGD[Leu228Phe]FTQQQLEVLD